The following is an entry in ClinVar:

NM_022114.4(PRDM16):c.2228_2229inv (p.Arg743Leu)

Gene: PRDM16 (PR/SET domain 16; plus strand). Cytogenetic location: 1p36.32.
Variant type: Inversion.
Coding change: c.2228_2229inv on transcript NM_022114.4 (MANE Select).
Protein change: p.Arg743Leu; replaces arginine 743 with leucine.
Molecular consequence: missense variant.
Genome position: GRCh38 VCF-style: chr1-3412425-GA-TC. GRCh37 (hg19) VCF-style: chr1-3328989-GA-TC.
Other names: c.2228_2229inv, p.Arg743Leu (NM_199454.3); short protein forms R743L.
Identifiers: ClinVar variation 573594 (VCV000573594.8), ClinGen allele CA891842424.

ClinVar aggregate classification (germline): Uncertain significance. Review status: criteria provided, multiple submitters, no conflicts (2 of 4 stars). 2 submissions from 2 submitters: Uncertain significance (2). Last evaluated 2026-01-13.

Conditions:
Left ventricular noncompaction 8 (LVNC8). Identifiers: Orphanet 154, Orphanet 54260, MedGen C3809288, MONDO:0014152, OMIM 615373.

Submissions (2):

Labcorp Genetics (formerly Invitae), Labcorp
Classification: Uncertain significance for Left ventricular noncompaction 8. Last evaluated: 2026-01-13. Review status: criteria provided, single submitter. Criteria: Invitae Variant Classification Sherloc (09022015). Collection method: clinical testing. Allele origin: germline.
Comment: This sequence change replaces arginine, which is basic and polar, with leucine, which is neutral and non-polar, at codon 743 of the PRDM16 protein (p.Arg743Leu). This variant is present in population databases (no rsID available, gnomAD 0.003%). This variant has not been reported in the literature in individuals affected with PRDM16-related conditions. ClinVar contains an entry for this variant (Variation ID: 573594). An algorithm developed to predict the effect of missense changes on protein structure and function (PolyPhen-2) suggests that this variant is likely to be disruptive. In summary, the available evidence is currently insufficient to determine the role of this variant in disease. Therefore, it has been classified as a Variant of Uncertain Significance.

ARUP Laboratories, Molecular Genetics and Genomics, ARUP Laboratories
Classification: Uncertain significance. Last evaluated: 2025-05-15. Review status: criteria provided, single submitter. Criteria: ARUP Molecular Germline Variant Investigation Process 2024. Collection method: clinical testing. Allele origin: germline.
Comment: The PRDM16 c.2228_2229inv; p.Arg743Leu variant, to our knowledge, is not reported in the medical literature but is reported in ClinVar (Variation ID: 573594). This variant is found in the African population with an allele frequency of 0.025% (6/24,148 alleles) in the Genome Aggregation Database (v2.1.1). Computational analyses are uncertain whether this variant is neutral or deleterious (REVEL: 0.17). Due to limited information, the clinical significance of this variant is uncertain at this time.